The following is an entry in ClinVar:

ClinVar aggregate classification (germline): Uncertain significance (1 of 4 stars; one submission).

Submission:

Women's Health and Genetics/Laboratory Corporation of America, LabCorp
Classification: Uncertain significance. Last evaluated: 2023-09-13. Review status: criteria provided, single submitter. Criteria: LabCorp Variant Classification Summary - May 2015. Collection method: clinical testing. Allele origin: germline.
Comment: Variant summary: PTPN11 c.853+4A>C alters a conserved nucleotide located close to a canonical splice site and therefore could affect mRNA splicing, leading to a significantly altered protein sequence. Several computational tools predict a significant impact on normal splicing: One predicts the variant abolishes the canonical 5' splicing donor site and three predict the variant weakens the 5' donor site. However, these predictions have yet to be confirmed by functional studies. The variant was absent in 244244 control chromosomes (gnomAD). The available data on variant occurrences in the general population are insufficient to allow any conclusion about variant significance. To our knowledge, no occurrence of c.853+4A>C in individuals affected with Noonan Syndrome/Leopard Syndrome and no experimental evidence demonstrating its impact on protein function have been reported. No submitters have cited clinical-significance assessments for this variant to ClinVar after 2014. Based on the evidence outlined above, the variant was classified as uncertain significance.

NM_002834.5(PTPN11):c.853+4A>C

Gene: PTPN11 (protein tyrosine phosphatase non-receptor type 11; plus strand). Cytogenetic location: 12q24.13.
Variant type: single nucleotide variant.
Coding change: c.853+4A>C on transcript NM_002834.5 (MANE Select); 4 bases into the intron after coding-DNA position 853, A replaced by C.
Molecular consequence: intron variant.
Genome position (GRCh38, 1-based): chr12:112,473,044, A>C. VCF-style: chr12-112473044-A-C. GRCh37 (hg19) VCF-style: chr12-112910848-A-C.
Other names: c.853+4A>C (NM_001330437.2, NM_080601.3); c.850+4A>C (NM_001374625.1).
Identifiers: ClinVar variation 2627217 (VCV002627217.1), dbSNP rs2540445792, ClinGen allele CA2582341802.